The following is an entry in ClinVar:

ClinVar aggregate classification (germline): Likely benign (1 of 4 stars; one submission).

Submission:

Women's Health and Genetics/Laboratory Corporation of America, LabCorp
Classification: Likely benign. Last evaluated: 2025-07-23. Review status: criteria provided, single submitter. Criteria: LabCorp Variant Classification Summary - May 2015. Collection method: clinical testing. Allele origin: germline.
Comment: Variant summary: KDM5C c.1746+19G>T alters a nucleotide located at a position not widely known to affect splicing. Consensus agreement among computation tools predict no significant impact on normal splicing. However, these predictions have yet to be confirmed by functional studies. The variant was absent in 181844 control chromosomes. The available data on variant occurrences in the general population are insufficient to allow any conclusion about variant significance. To our knowledge, no occurrence of c.1746+19G>T in individuals affected with the Claes-Jensen type of X-linked syndromic intellectual developmental disorder and no experimental evidence demonstrating its impact on protein function have been reported. No submitters have cited clinical-significance assessments for this variant to ClinVar. Based on the evidence outlined above, the variant was classified as likely benign.

NM_004187.5(KDM5C):c.1746+19G>T

Gene: KDM5C (lysine demethylase 5C; minus strand). Cytogenetic location: Xp11.22.
Variant type: single nucleotide variant.
Coding change: c.1746+19G>T on transcript NM_004187.5 (MANE Select); 19 bases into the intron after coding-DNA position 1746, G replaced by T.
Molecular consequence: intron variant.
Genome position (GRCh38, 1-based): chrX:53,210,395, C>A on the plus strand (G>T on the coding strand, the complement: KDM5C is on the minus strand). VCF-style: chrX-53210395-C-A. GRCh37 (hg19) VCF-style: chrX-53239577-C-A.
Other names: c.1743+19G>T (NM_001353982.2, NM_001353979.2, NM_001282622.3); c.1746+19G>T (NM_001353981.2, NM_001353984.2, NM_001353978.3); c.1545+19G>T (NM_001146702.2).
Identifiers: ClinVar variation 4526273 (VCV004526273.1).
Genomic context (GRCh38, chrX:53,210,395, plus strand): 5'-CAACCACCGCCACCACCACCATCACAAAGGACATCACTAAATCACTCCTGCCGCTTGTCC[C>A]TGTTGCCTGGGTACTCACTGGCACACCATGGGACATGAGGGTGTTGGGATTCATGAGGGT-3'